The following is an entry in ClinVar:

NM_000051.4(ATM):c.1802+16T>C

Gene: ATM (ATM serine/threonine kinase; plus strand). Cytogenetic location: 11q22.3.
Variant type: single nucleotide variant.
Coding change: c.1802+16T>C on transcript NM_000051.4 (MANE Select); 16 bases into the intron after coding-DNA position 1802, T replaced by C.
Molecular consequence: intron variant.
Genome position (GRCh38, 1-based): chr11:108,252,047, T>C. VCF-style: chr11-108252047-T-C. GRCh37 (hg19) VCF-style: chr11-108122774-T-C.
Other names: c.1802+16T>C (NM_001351834.2).
Identifiers: ClinVar variation 385438 (VCV000385438.11), dbSNP rs995327985, ClinGen allele CA16605766.

ClinVar aggregate classification (germline): Likely benign. Review status: criteria provided, multiple submitters, no conflicts (2 of 4 stars). 3 submissions from 3 submitters: Likely benign (3). Last evaluated 2025-11-17.

Conditions:
Hereditary cancer-predisposing syndrome. Also called: Neoplastic Syndromes, Hereditary; Hereditary neoplastic syndrome; Tumor predisposition; Hereditary Cancer Syndrome. Identifiers: Orphanet 140162, MedGen C0027672, MeSH D009386, MONDO:0015356.
Ataxia-telangiectasia syndrome (AT). Also called: AT, COMPLEMENTATION GROUP C; ATAXIA-TELANGIECTASIA, COMPLEMENTATION GROUP A; ATAXIA-TELANGIECTASIA, FRESNO VARIANT; LOUIS-BAR SYNDROME; Ataxia-telangiectasia; Cerebello-oculocutaneous telangiectasia. Identifiers: Orphanet 100, MedGen C0004135, MONDO:0008840, OMIM 208900.

Allele frequency attached by ClinVar (database versions not stated): gnomAD exomes below 0.00001; TOPMed 0.00001.
gnomAD v4.1: 8 of 1,606,644 alleles (0.0005%); highest among the groups gnomAD compares: Middle Eastern, 0.065%; no homozygotes.

Submissions (3):

Labcorp Genetics (formerly Invitae), Labcorp
Classification: Likely benign for Ataxia-telangiectasia syndrome. Last evaluated: 2025-11-17. Review status: criteria provided, single submitter. Criteria: Invitae Variant Classification Sherloc (09022015). Collection method: clinical testing. Allele origin: germline.

Color Diagnostics, LLC DBA Color Health
Classification: Likely benign for Hereditary cancer-predisposing syndrome. Last evaluated: 2017-07-06. Review status: criteria provided, single submitter. Criteria: ACMG Guidelines, 2015. Collection method: clinical testing. Allele origin: germline.

GeneDx
Classification: Likely benign. Last evaluated: 2017-01-27. Review status: criteria provided, single submitter. Criteria: GeneDx Variant Classification (06012015). Collection method: clinical testing. Allele origin: germline. Affected: yes.
Comment: This variant is considered likely benign or benign based on one or more of the following criteria: it is a conservative change, it occurs at a poorly conserved position in the protein, it is predicted to be benign by multiple in silico algorithms, and/or has population frequency not consistent with disease.